The following is an entry in ClinVar:

ClinVar aggregate classification (germline): Benign/Likely benign. Review status: criteria provided, multiple submitters, no conflicts (2 of 4 stars). 7 submissions from 7 submitters: Benign (6); Likely benign (1). Last evaluated 2026-01-01.

Conditions:
Multiple cutaneous and mucosal venous malformations (VMCM). Also called: TEK-Related Multiple Cutaneous and Mucosal Venous Malformations (VMCM). Identifiers: Orphanet 2451, MedGen C1838437, MONDO:0010842, OMIM 600195.

Allele frequency attached by ClinVar (database versions not stated): gnomAD exomes 0.00225 and 0.00628; ExAC 0.00766; gnomAD 0.02351 and 0.02531; ESP Exome Variant Server 0.02414; TOPMed 0.02674; 1000 Genomes Project 0.02776; 1000 Genomes Project 30x 0.02936.
gnomAD v4.1: 7,035 of 1,614,070 alleles (0.44%); highest among the groups gnomAD compares: African/African-American, 8.3%; 280 homozygotes.

Submissions (7):

Labcorp Genetics (formerly Invitae), Labcorp
Classification: Benign. Last evaluated: 2026-01-01. Review status: criteria provided, single submitter. Criteria: Invitae Variant Classification Sherloc (09022015). Collection method: clinical testing. Allele origin: germline.

Blueprint Genetics
Classification: Likely benign. Last evaluated: 2024-11-27. Review status: criteria provided, single submitter. Criteria: ACMG Guidelines, 2015. Collection method: clinical testing. Allele origin: germline.

ARUP Laboratories, Molecular Genetics and Genomics, ARUP Laboratories
Classification: Benign. Last evaluated: 2023-11-22. Review status: criteria provided, single submitter. Criteria: ARUP Molecular Germline Variant Investigation Process 2024. Collection method: clinical testing. Allele origin: germline.

Mayo Clinic Laboratories, Mayo Clinic
Classification: Benign. Last evaluated: 2022-04-26. Review status: criteria provided, single submitter. Criteria: ACMG Guidelines, 2015. Collection method: clinical testing. Allele origin: germline. Observed: 23 variant alleles.

GeneDx
Classification: Benign. Last evaluated: 2021-05-06. Review status: criteria provided, single submitter. Criteria: GeneDx Variant Classification Process June 2021. Collection method: clinical testing. Allele origin: germline. Affected: yes.

Illumina Laboratory Services, Illumina
Classification: Benign for Multiple cutaneous and mucosal venous malformations. Last evaluated: 2018-01-12. Review status: criteria provided, single submitter. Criteria: ICSL Variant Classification Criteria 13 December 2019. Collection method: clinical testing. Allele origin: germline.
Comment: This variant was observed in the ICSL laboratory as part of a predisposition screen in an ostensibly healthy population. It had not been previously curated by ICSL or reported in the Human Gene Mutation Database (HGMD: prior to June 1st, 2018), and was therefore a candidate for classification through an automated scoring system. Utilizing variant allele frequency, disease prevalence and penetrance estimates, and inheritance mode, an automated score was calculated to assess if this variant is too frequent to cause the disease. Based on the score and internal cut-off values, a variant classified as benign is not then subjected to further curation. The score for this variant resulted in a classification of benign for this disease.

Breakthrough Genomics
Classification: Benign. Review status: criteria provided, single submitter. Criteria: ACMG Guidelines, 2015. Collection method: not provided. Allele origin: germline. Inheritance: Autosomal dominant inheritance. Affected: yes.

NM_000459.5(TEK):c.2170G>A (p.Ala724Thr)

Gene: TEK (TEK receptor tyrosine kinase; plus strand). Cytogenetic location: 9p21.2.
Variant type: single nucleotide variant.
Coding change: c.2170G>A on transcript NM_000459.5 (MANE Select); coding-DNA position 2170, G replaced by A.
Protein change: p.Ala724Thr; replaces alanine 724 with threonine.
Molecular consequence: missense variant.
Genome position (GRCh38, 1-based): chr9:27,203,080, G>A. VCF-style: chr9-27203080-G-A. GRCh37 (hg19) VCF-style: chr9-27203078-G-A.
Other names: c.2041G>A, p.Ala681Thr (NM_001290077.2, NM_001375476.1); c.1729G>A, p.Ala577Thr (NM_001290078.2); c.2170G>A, p.Ala724Thr (NM_001375475.1); short protein forms A724T, A681T, A577T.
Identifiers: ClinVar variation 366438 (VCV000366438.27), dbSNP rs4631561, ClinGen allele CA5016412.